The following is an entry in ClinVar:

NC_000002.11:g.(15432891_15448339)_(15449372_15467873)del

Gene: NBAS (NBAS subunit of NRZ tethering complex; minus strand). Cytogenetic location: 2p24.3.
Variant type: Deletion.
Identifiers: ClinVar variation 1705204 (VCV001705204.1).

ClinVar aggregate classification (germline): Likely pathogenic (1 of 4 stars; one submission).

Conditions:
Acute infantile liver failure due to synthesis defect of mtDNA-encoded proteins. Also called: LIVER FAILURE, INFANTILE, TRANSIENT; Liver failure acute infantile; TRMU Deficiency. Identifiers: Orphanet 217371, MedGen C3278664, MONDO:0013111, OMIM 613070.

Submission:

Women's Health and Genetics/Laboratory Corporation of America, LabCorp
Classification: Likely pathogenic for Acute infantile liver failure due to synthesis defect of mtDNA-encoded proteins. Last evaluated: 2022-08-25. Review status: criteria provided, single submitter. Criteria: LabCorp Variant Classification Summary - May 2015. Collection method: clinical testing. Allele origin: germline.
Comment: Variant summary: The variant identified by MLPA or other technology involves the deletion of exons 39-40 in the NBAS gene. A presumed nomenclature of c.(4582+1_4583-1)_(4797+1_4798-1)del has been designated for the purposes of this classification. Although exact breakpoints of this deletion are not known, it is expected to result in a frameshift in the NBAS gene, a known mechanism of disease. The variant was absent in 21694 control chromosomes (gnomAD database, structural variants dataset). Deletion of exons 39-40 has been reported in the literature in a compound heterozygous individual affected with Liver Failure Acute Infantile, Type 2 (Staufner_2016). To our knowledge, no experimental evidence demonstrating its impact on protein function have been reported. No clinical diagnostic laboratories have submitted clinical-significance assessments for this variant to ClinVar after 2014. Based on the evidence outlined above, the variant was classified as likely pathogenic.

Literature cited by the submitters: PubMed 33042920; PubMed 26541327.